The following is an entry in ClinVar:

ClinVar aggregate classification (germline): Uncertain significance (1 of 4 stars; one submission).

Conditions:
Nemaline myopathy 10 (NEM10). Identifiers: MedGen C4015360, MONDO:0014513, OMIM 616165.

Submission:

Labcorp Genetics (formerly Invitae), Labcorp
Classification: Uncertain significance for Nemaline myopathy 10. Last evaluated: 2022-08-22. Review status: criteria provided, single submitter. Criteria: Invitae Variant Classification Sherloc (09022015). Collection method: clinical testing. Allele origin: germline.
Comment: In summary, the available evidence is currently insufficient to determine the role of this variant in disease. Therefore, it has been classified as a Variant of Uncertain Significance. Algorithms developed to predict the effect of missense changes on protein structure and function output the following: SIFT: "Deleterious"; PolyPhen-2: "Benign"; Align-GVGD: "Class C0". The tryptophan amino acid residue is found in multiple mammalian species, which suggests that this missense change does not adversely affect protein function. This variant has not been reported in the literature in individuals affected with LMOD3-related conditions. This variant is present in population databases (no rsID available, gnomAD 0.0009%). This sequence change replaces arginine, which is basic and polar, with tryptophan, which is neutral and slightly polar, at codon 498 of the LMOD3 protein (p.Arg498Trp).

NM_198271.5(LMOD3):c.1492C>T (p.Arg498Trp)

Gene: LMOD3 (leiomodin 3; minus strand). Cytogenetic location: 3p14.1.
Variant type: single nucleotide variant.
Coding change: c.1492C>T on transcript NM_198271.5 (MANE Select); coding-DNA position 1492, C replaced by T.
Protein change: p.Arg498Trp; replaces arginine 498 with tryptophan.
Molecular consequence: missense variant.
Genome position (GRCh38, 1-based): chr3:69,118,863, G>A on the plus strand (C>T on the coding strand, the complement: LMOD3 is on the minus strand). VCF-style: chr3-69118863-G-A. GRCh37 (hg19) VCF-style: chr3-69168014-G-A.
Other names: c.1492C>T, p.Arg498Trp (NM_001304418.3); short protein forms R498W.
Identifiers: ClinVar variation 1981994 (VCV001981994.2), dbSNP rs750486518, ClinGen allele CA353470260.
Genomic context (GRCh38, chr3:69,118,863, plus strand): 5'-GCGTTTTGATGACATCTTTGAGGTTGGTTTTCTCGGGTGGTTCTCTGGCTTCCGGCATCC[G>A]AGATTTGCGCTGGATTCTCTTCAGCTTCACCACCCGGAAGGAGTCAGGGTCTGTCCTGTA-3'
Protein context (NP_938012.2, residues 488-508): VKLKRIQRKS[Arg498Trp]MPEAREPPEK